The following is an entry in ClinVar:

ClinVar aggregate classification (germline): Conflicting classifications of pathogenicity. Review status: criteria provided, conflicting classifications (1 of 4 stars). 3 submissions from 3 submitters: Uncertain significance (2); Likely benign (1). Last evaluated 2025-11-17.

Conditions:
NLRP3-related disorder. Also called: NLRP3-related condition; NLRP3-Related Disorders.
Cryopyrin associated periodic syndrome (CAPS). Identifiers: Orphanet 208650, MedGen C2316212, MONDO:0016168.

Allele frequency attached by ClinVar (database versions not stated): ExAC 0.00002; gnomAD 0.00002; gnomAD exomes 0.00002 and 0.00003; TOPMed 0.00002.
gnomAD v4.1: 46 of 1,614,004 alleles (0.0029%); highest among the groups gnomAD compares: Middle Eastern, 0.016%; no homozygotes.

Submissions (3):

PreventionGenetics, part of Exact Sciences
Classification: Uncertain significance for NLRP3-related condition. Last evaluated: 2025-11-17. Review status: criteria provided, single submitter. Criteria: ACMG Guidelines, 2015. Collection method: clinical testing. Allele origin: germline.
Comment: The NLRP3 c.2738A>G variant is predicted to result in the amino acid substitution p.Asn913Ser. To our knowledge, this variant has not been reported in the literature. This variant is reported in 0.0035% of alleles in individuals of European (Non-Finnish) descent in gnomAD. At this time, the clinical significance of this variant is uncertain due to the absence of conclusive functional and genetic evidence.

Labcorp Genetics (formerly Invitae), Labcorp
Classification: Uncertain significance for Cryopyrin associated periodic syndrome. Last evaluated: 2024-12-30. Review status: criteria provided, single submitter. Criteria: Invitae Variant Classification Sherloc (09022015). Collection method: clinical testing. Allele origin: germline.
Comment: This sequence change replaces asparagine, which is neutral and polar, with serine, which is neutral and polar, at codon 913 of the NLRP3 protein (p.Asn913Ser). This variant is present in population databases (rs577683668, gnomAD 0.004%). This variant has not been reported in the literature in individuals affected with NLRP3-related conditions. ClinVar contains an entry for this variant (Variation ID: 1013561). Invitae Evidence Modeling of protein sequence and biophysical properties (such as structural, functional, and spatial information, amino acid conservation, physicochemical variation, residue mobility, and thermodynamic stability) indicates that this missense variant is not expected to disrupt NLRP3 protein function with a negative predictive value of 95%. In summary, the available evidence is currently insufficient to determine the role of this variant in disease. Therefore, it has been classified as a Variant of Uncertain Significance.

CeGaT Center for Human Genetics Tuebingen
Classification: Likely benign. Last evaluated: 2023-10-01. Review status: criteria provided, single submitter. Criteria: CeGaT Center For Human Genetics Tuebingen Variant Classification Criteria Version 2. Collection method: clinical testing. Allele origin: germline. Affected: yes. Observed: 2 variant alleles.
Comment: NLRP3: BP4

NM_001243133.2(NLRP3):c.2732A>G (p.Asn911Ser)

Gene: NLRP3 (NLR family pyrin domain containing 3; plus strand). Cytogenetic location: 1q44.
Variant type: single nucleotide variant.
Coding change: c.2732A>G on transcript NM_001243133.2 (MANE Select); coding-DNA position 2732, A replaced by G.
Protein change: p.Asn911Ser; replaces asparagine 911 with serine.
Molecular consequence: missense variant.
Genome position (GRCh38, 1-based): chr1:247,444,040, A>G. VCF-style: chr1-247444040-A-G. GRCh37 (hg19) VCF-style: chr1-247607342-A-G.
Other names: c.2732A>G, p.Asn911Ser (NM_001079821.3); c.2561A>G, p.Asn854Ser (NM_001127461.3, NM_001127462.3); c.2738A>G, p.Asn913Ser (NM_004895.5); c.2390A>G, p.Asn797Ser (NM_183395.3); c.2738A>G (NM_004895.4); short protein forms N797S, N854S, N911S, N913S.
Identifiers: ClinVar variation 1013561 (VCV001013561.43), dbSNP rs577683668, ClinGen allele CA1495346.